The following is an entry in ClinVar:

ClinVar aggregate classification (germline): Likely pathogenic (1 of 4 stars; one submission).

Conditions:
Spastic paraplegia 84, autosomal recessive (SPG84). Identifiers: Orphanet 631079, MedGen C5562025, MONDO:0030482, OMIM 619621.

Submission:

3billion
Classification: Likely pathogenic for Spastic paraplegia 84, autosomal recessive. Last evaluated: 2026-01-23. Review status: criteria provided, single submitter. Criteria: ACMG Guidelines, 2015. Collection method: clinical testing. Allele origin: germline. Affected: yes.
Comment: The variant is observed at an extremely low frequency in the gnomAD v4.1.0 dataset (total allele frequency: <0.001%). Predicted Consequence/Location: Frameshift: predicted to result in a loss or disruption of normal protein function through nonsense-mediated decay (NMD) or protein truncation. Multiple pathogenic variants are reported downstream of the variant. Therefore, this variant is classified as Likely pathogenic according to the recommendation of ACMG/AMP guideline.

NM_058004.4(PI4KA):c.4201_4204del (p.Arg1401fs)

Gene: PI4KA (phosphatidylinositol 4-kinase alpha; minus strand). Cytogenetic location: 22q11.21.
Variant type: Deletion.
Coding change: c.4201_4204del on transcript NM_058004.4 (MANE Select); coding-DNA positions 4201 to 4204, 4 bases deleted (CGTG; older notation c.4201_4204delCGTG).
Protein change: p.Arg1401fs; shifts the reading frame from arginine 1401.
Molecular consequence: frameshift variant.
Genome position (GRCh38, 1-based): chr22:20,733,055-20,733,058, CACG deleted on the plus strand (CGTG on the coding strand, the reverse complement: PI4KA is on the minus strand); deleting any 4 consecutive bases within chr22:20,733,055-20,733,060 gives the same sequence; the c. name uses the placement nearest the transcript's 3' end. VCF-style (leftmost placement, unchanged base first): chr22-20733054-TCACG-T. GRCh37 (hg19) VCF-style: chr22-21087342-TCACG-T.
Other names: c.4108_4111del, p.Arg1370fs (NM_001362862.2); c.4135_4138del, p.Arg1379fs (NM_001362863.2); short protein forms R1370fs, R1379fs, R1401fs.
Identifiers: ClinVar variation 4855878 (VCV004855878.1).